The following is an entry in ClinVar:

ClinVar aggregate classification (germline): Uncertain significance. Review status: criteria provided, multiple submitters, no conflicts (2 of 4 stars). 4 submissions from 4 submitters: Uncertain significance (3). 1 of the submissions does not count toward it. Last evaluated 2024-11-11.

Conditions:
Inborn genetic diseases. Identifiers: MedGen C0950123, MeSH D030342.
Congenital myasthenic syndrome (CMS). Also called: Congenital Myasthenic Syndromes. Identifiers: Orphanet 590, MedGen C0751882, MeSH D020294, MONDO:0018940.
Fetal akinesia deformation sequence 1 (FADS1). Also called: Pena-Shokeir syndrome type I; Fetal akinesia sequence. Identifiers: Orphanet 994, MedGen C1276035, MONDO:0100101, OMIM 208150, HP:0001989.
Congenital myasthenic syndrome 11. Also called: MYASTHENIC SYNDROME, CONGENITAL, Ie; Myasthenic syndrome, congenital, 11, associated with acetylcholine receptor deficiency. Identifiers: Orphanet 590, MedGen C4225367, MONDO:0014588, OMIM 616326.

Allele frequency attached by ClinVar (database versions not stated): gnomAD exomes 0.00002; TOPMed 0.00002; gnomAD 0.00003; ExAC 0.00004.

Submissions (4):

Ambry Genetics
Classification: Uncertain significance for Inborn genetic diseases. Last evaluated: 2024-11-11. Review status: criteria provided, single submitter. Criteria: Ambry Variant Classification Scheme 2023. Collection method: clinical testing. Allele origin: germline.

Labcorp Genetics (formerly Invitae), Labcorp
Classification: Uncertain significance for Congenital myasthenic syndrome 11; Fetal akinesia deformation sequence 1. Last evaluated: 2022-01-14. Review status: criteria provided, single submitter. Criteria: Invitae Variant Classification Sherloc (09022015). Collection method: clinical testing. Allele origin: germline.
Comment: This sequence change replaces serine, which is neutral and polar, with arginine, which is basic and polar, at codon 274 of the RAPSN protein (p.Ser274Arg). This variant is present in population databases (rs778371396, gnomAD 0.01%). This variant has not been reported in the literature in individuals affected with RAPSN-related conditions. ClinVar contains an entry for this variant (Variation ID: 658638). Algorithms developed to predict the effect of missense changes on protein structure and function (SIFT, PolyPhen-2, Align-GVGD) all suggest that this variant is likely to be tolerated. In summary, the available evidence is currently insufficient to determine the role of this variant in disease. Therefore, it has been classified as a Variant of Uncertain Significance.

Revvity Omics, Revvity
Classification: Uncertain significance. Last evaluated: 2019-09-02. Review status: criteria provided, single submitter. Criteria: ACMG Guidelines, 2015. Collection method: clinical testing. Allele origin: germline.

Natera, Inc.
Classification: Uncertain significance for Congenital myasthenic syndrome. Last evaluated: 2020-09-24. Review status: no assertion criteria provided. Collection method: clinical testing. Allele origin: germline. Not counted in ClinVar's aggregate classification.

NM_005055.5(RAPSN):c.822C>A (p.Ser274Arg)

Gene: RAPSN (receptor associated protein of the synapse; minus strand). Cytogenetic location: 11p11.2.
Variant type: single nucleotide variant.
Coding change: c.822C>A on transcript NM_005055.5 (MANE Select); coding-DNA position 822, C replaced by A.
Protein change: p.Ser274Arg; replaces serine 274 with arginine.
Molecular consequence: missense variant. On other transcripts: intron variant (1).
Genome position (GRCh38, 1-based): chr11:47,441,701, G>T on the plus strand (C>A on the coding strand, the complement: RAPSN is on the minus strand). VCF-style: chr11-47441701-G-T. GRCh37 (hg19) VCF-style: chr11-47463253-G-T.
Other names: c.789+122C>A (NM_032645.5); short protein forms S274R.
Identifiers: ClinVar variation 658638 (VCV000658638.12), dbSNP rs778371396, ClinGen allele CA5976610.